The following is an entry in ClinVar:

ClinVar aggregate classification (germline): Uncertain significance (1 of 4 stars; one submission).

gnomAD v4.1: 23 of 1,613,748 alleles (0.0014%); highest among the groups gnomAD compares: East Asian, 0.0089%; no homozygotes.

Submission:

Women's Health and Genetics/Laboratory Corporation of America, LabCorp
Classification: Uncertain significance. Last evaluated: 2025-11-11. Review status: criteria provided, single submitter. Criteria: LabCorp Variant Classification Summary - May 2015. Collection method: clinical testing. Allele origin: germline.
Comment: Variant summary: VWF c.4184G>A (p.Arg1395Gln) results in a conservative amino acid change located in the first type A domain (IPR002035) of the encoded protein sequence. Algorithms developed to predict the effect of missense changes on protein structure and function all suggest that this variant is likely to be tolerated. The variant allele was found at a frequency of 3.2e-05 in 249902 control chromosomes (gnomAD). The available data on variant occurrences in the general population are insufficient to allow any conclusion about variant significance. c.4184G>A has been observed in an individual affected with bleeding disorder (Willems_2024), however this individual also carried other (potentially) pathogenic variants. These report(s) do not provide unequivocal conclusions about association of the variant with Von Willebrand Disease. To our knowledge, no experimental evidence demonstrating an impact on protein function has been reported. However, alanine scanning mutagenesis studies suggested that this residue is involved in binding to platelet glycoprotein Ib, heparin and other sulfated polysaccharides. The following publication has been ascertained in the context of this evaluation (PMID: 39076726, 10753907, 16338223, 18369690). No submitters have cited clinical-significance assessments for this variant to ClinVar. Based on the evidence outlined above, the variant was classified as uncertain significance.

Literature cited by the submitters: PubMed 16338223; PubMed 10753907; PubMed 18369690; PubMed 39076726.

NM_000552.5(VWF):c.4184G>A (p.Arg1395Gln)

Gene: VWF (von Willebrand factor; minus strand). Cytogenetic location: 12p13.31.
Variant type: single nucleotide variant.
Coding change: c.4184G>A on transcript NM_000552.5 (MANE Select); coding-DNA position 4184, G replaced by A.
Protein change: p.Arg1395Gln; replaces arginine 1395 with glutamine.
Molecular consequence: missense variant.
Genome position (GRCh38, 1-based): chr12:6,019,234, C>T on the plus strand (G>A on the coding strand, the complement: VWF is on the minus strand). VCF-style: chr12-6019234-C-T. GRCh37 (hg19) VCF-style: chr12-6128400-C-T.
Other names: short protein forms R1395Q.
Identifiers: ClinVar variation 4536863 (VCV004536863.1).